The following is an entry in ClinVar:

NM_001723.7(DST):c.4477del (p.Ala1493fs)

Gene: DST (dystonin; minus strand). Cytogenetic location: 6p12.1.
Variant type: Deletion.
Coding change: c.4477del on transcript NM_001723.7 (MANE Plus Clinical); coding-DNA position 4477, one base deleted (G; older notation c.4477delG).
Protein change: p.Ala1493fs; shifts the reading frame from alanine 1493.
Molecular consequence: frameshift variant. On other transcripts: intron variant (10).
Genome position (GRCh38, 1-based): chr6:56,619,557, C deleted on the plus strand (G on the coding strand, the reverse complement: DST is on the minus strand); the first of 3 consecutive C bases (chr6:56,619,557-56,619,559); deleting any one gives the same sequence. VCF-style (leftmost placement, unchanged base first): chr6-56619556-GC-G. GRCh37 (hg19) VCF-style: chr6-56484354-GC-G.
Other names: c.4830+4973del (NM_001144769.5); c.4929+4973del (NM_001374722.1, NM_001374736.1); c.4956+4973del (NM_001374734.1); c.4416+4973del (NM_001144770.2); c.4296+4973del (NM_001374730.1, NM_001386100.1, NM_183380.4 and 1 more transcripts); c.3318+4973del (NM_015548.5); short protein forms A1493fs.
Identifiers: ClinVar variation 1074277 (VCV001074277.7), dbSNP rs758599939, ClinGen allele CA3870523.

ClinVar aggregate classification (germline): Pathogenic (1 of 4 stars; one submission).

Conditions:
Hereditary sensory and autonomic neuropathy type 6. Also called: Neuropathy, hereditary sensory and autonomic, type VI; HSAN VI. Identifiers: Orphanet 314381, MedGen C3539003, MONDO:0013839, OMIM 614653.
Epidermolysis bullosa simplex 3, localized or generalized intermediate, with BP230 deficiency (EBS3). Also called: Epidermolysis bullosa simplex due to BP230 deficiency; Epidermolysis bullosa simplex, autosomal recessive 2. Identifiers: Orphanet 412181, MedGen C3809470, MONDO:0014180, OMIM 615425.

Submission:

Labcorp Genetics (formerly Invitae), Labcorp
Classification: Pathogenic for Epidermolysis bullosa simplex 3, localized or generalized intermediate, with BP230 deficiency; Hereditary sensory and autonomic neuropathy type 6. Last evaluated: 2024-09-25. Review status: criteria provided, single submitter. Criteria: Invitae Variant Classification Sherloc (09022015). Collection method: clinical testing. Allele origin: germline.
Comment: This sequence change creates a premature translational stop signal (p.Ala1493Hisfs*4) in the DST gene. It is expected to result in an absent or disrupted protein product. Loss-of-function variants in DST are known to be pathogenic (PMID: 22522446, 25059916, 30371979). This variant is present in population databases (rs758599939, gnomAD 0.002%). This variant has not been reported in the literature in individuals affected with DST-related conditions. ClinVar contains an entry for this variant (Variation ID: 1074277). For these reasons, this variant has been classified as Pathogenic.

Literature cited by the submitters: PubMed 22522446; PubMed 25059916; PubMed 30371979.